The following is an entry in ClinVar:

ClinVar aggregate classification (germline): Uncertain significance (1 of 4 stars; one submission).

Submission:

Labcorp Genetics (formerly Invitae), Labcorp
Classification: Uncertain significance. Last evaluated: 2024-11-19. Review status: criteria provided, single submitter. Criteria: Invitae Variant Classification Sherloc (09022015). Collection method: clinical testing. Allele origin: germline.
Comment: This sequence change affects an acceptor splice site in intron 10 of the CACNA1D gene. It is expected to disrupt RNA splicing. Variants that disrupt the donor or acceptor splice site typically lead to a loss of protein function (PMID: 16199547), however the current clinical and genetic evidence is not sufficient to establish whether loss-of-function variants in CACNA1D cause disease. This variant is not present in population databases (gnomAD no frequency). This variant has not been reported in the literature in individuals affected with CACNA1D-related conditions. ClinVar contains an entry for this variant (Variation ID: 2809669). In summary, the available evidence is currently insufficient to determine the role of this variant in disease. Therefore, it has been classified as a Variant of Uncertain Significance.

Literature cited by the submitters: PubMed 16199547.

NM_000720.4(CACNA1D):c.1479-2A>G

Gene: CACNA1D (calcium voltage-gated channel subunit alpha1 D; plus strand). Cytogenetic location: 3p21.1.
Variant type: single nucleotide variant.
Coding change: c.1479-2A>G on transcript NM_000720.4 (MANE Plus Clinical); the canonical splice acceptor site of the intron before coding-DNA position 1479, A replaced by G.
Molecular consequence: splice acceptor variant. On other transcripts: intron variant (2).
Genome position (GRCh38, 1-based): chr3:53,718,680, A>G. VCF-style: chr3-53718680-A-G. GRCh37 (hg19) VCF-style: chr3-53752707-A-G.
Other names: c.1478+292A>G (NM_001128840.3, NM_001128839.3).
Identifiers: ClinVar variation 2809669 (VCV002809669.3), dbSNP rs2473639939, ClinGen allele CA353236086.